The following is an entry in ClinVar:

ClinVar aggregate classification (germline): Uncertain significance (1 of 4 stars; one submission).

Conditions:
Charcot-Marie-Tooth disease axonal type 2C (HMSN2C). Also called: Charcot-Marie-Tooth Disease Type 2, TRPV4-Related (CMT2C); CHARCOT-MARIE-TOOTH DISEASE, AXONAL, AUTOSOMAL DOMINANT, TYPE 2C; Charcot-Marie-Tooth Neuropathy Type 2C. Identifiers: Orphanet 99937, MedGen C1853710, MONDO:0011633, OMIM 606071.

Allele frequency attached by ClinVar (database versions not stated): gnomAD exomes below 0.00001.
gnomAD v4.1: 2 of 1,614,110 alleles (0.00012%); highest among the groups gnomAD compares: Non-Finnish European, 0.00017%; no homozygotes.

Submission:

Labcorp Genetics (formerly Invitae), Labcorp
Classification: Uncertain significance for Charcot-Marie-Tooth disease axonal type 2C. Last evaluated: 2022-03-20. Review status: criteria provided, single submitter. Criteria: Invitae Variant Classification Sherloc (09022015). Collection method: clinical testing. Allele origin: germline.
Comment: In summary, the available evidence is currently insufficient to determine the role of this variant in disease. Therefore, it has been classified as a Variant of Uncertain Significance. Algorithms developed to predict the effect of missense changes on protein structure and function are either unavailable or do not agree on the potential impact of this missense change (SIFT: "Deleterious"; PolyPhen-2: "Probably Damaging"; Align-GVGD: "Class C0"). This variant has not been reported in the literature in individuals affected with TRPV4-related conditions. This variant is not present in population databases (gnomAD no frequency). This sequence change replaces aspartic acid, which is acidic and polar, with tyrosine, which is neutral and polar, at codon 105 of the TRPV4 protein (p.Asp105Tyr).

NM_021625.5(TRPV4):c.313G>T (p.Asp105Tyr)

Gene: TRPV4 (transient receptor potential cation channel subfamily V member 4; minus strand). Cytogenetic location: 12q24.11.
Variant type: single nucleotide variant.
Coding change: c.313G>T on transcript NM_021625.5 (MANE Select); coding-DNA position 313, G replaced by T.
Protein change: p.Asp105Tyr; replaces aspartic acid 105 with tyrosine.
Molecular consequence: missense variant.
Genome position (GRCh38, 1-based): chr12:109,814,484, C>A on the plus strand (G>T on the coding strand, the complement: TRPV4 is on the minus strand). VCF-style: chr12-109814484-C-A. GRCh37 (hg19) VCF-style: chr12-110252289-C-A.
Other names: c.313G>T, p.Asp105Tyr (NM_147204.3, NM_001177428.2, NM_001177433.2); c.211G>T, p.Asp71Tyr (NM_001177431.2); short protein forms D105Y, D71Y.
Identifiers: ClinVar variation 1450537 (VCV001450537.8), dbSNP rs2136659447, ClinGen allele CA386660099.